The following is an entry in ClinVar:

ClinVar aggregate classification (germline): Likely pathogenic (1 of 4 stars; one submission).

Conditions:
Hereditary cancer-predisposing syndrome. Also called: Tumor predisposition; Hereditary neoplastic syndrome; Neoplastic Syndromes, Hereditary; Hereditary Cancer Syndrome. Identifiers: Orphanet 140162, MedGen C0027672, MeSH D009386, MONDO:0015356.

Submission:

Ambry Genetics
Classification: Likely pathogenic for Hereditary cancer-predisposing syndrome. Last evaluated: 2025-05-09. Review status: criteria provided, single submitter. Criteria: Ambry Variant Classification Scheme 2023. Collection method: clinical testing. Allele origin: germline.
Comment: The p.Y678* variant (also known as c.2034T>G), located in coding exon 11 of the BARD1 gene, results from a T to G substitution at nucleotide position 2034. This changes the amino acid from a tyrosine to a stop codon within coding exon 11. This alteration occurs at the 3' terminus of theBARD1 gene, is not expected to trigger nonsense-mediated mRNA decay, and impacts the last 12% of the protein. However, premature stop codons are typically deleterious in nature, a significant portion of the protein is affected, and the impacted region is critical for protein function (Ambry internal data). This variant is considered to be rare based on population cohorts in the Genome Aggregation Database (gnomAD). Based on the majority of available evidence to date, this variant is likely to be pathogenic.

NM_000465.4(BARD1):c.2034T>G (p.Tyr678Ter)

Gene: BARD1 (BRCA1 associated RING domain 1; minus strand). Cytogenetic location: 2q35.
Variant type: single nucleotide variant.
Coding change: c.2034T>G on transcript NM_000465.4 (MANE Select); coding-DNA position 2034, T replaced by G.
Protein change: p.Tyr678Ter; replaces tyrosine 678 with a stop codon.
Molecular consequence: nonsense. On other transcripts: non-coding transcript variant (3).
Genome position (GRCh38, 1-based): chr2:214,728,976, A>C on the plus strand (T>G on the coding strand, the complement: BARD1 is on the minus strand). VCF-style: chr2-214728976-A-C. GRCh37 (hg19) VCF-style: chr2-215593700-A-C.
Other names: c.1977T>G, p.Tyr659Ter (NM_001282543.2); c.681T>G, p.Tyr227Ter (NM_001282545.2); c.624T>G, p.Tyr208Ter (NM_001282548.2); c.495T>G, p.Tyr165Ter (NM_001282549.2); short protein forms Y227*, Y678*, Y208*, Y659*, Y165*.
Identifiers: ClinVar variation 3988539 (VCV003988539.1).